The following is an entry in ClinVar:

NM_198334.3(GANAB):c.2684T>C (p.Ile895Thr)

Gene: GANAB (glucosidase II alpha subunit; minus strand). Cytogenetic location: 11q12.3.
Variant type: single nucleotide variant.
Coding change: c.2684T>C on transcript NM_198334.3 (MANE Select); coding-DNA position 2684, T replaced by C.
Protein change: p.Ile895Thr; replaces isoleucine 895 with threonine.
Molecular consequence: missense variant.
Genome position (GRCh38, 1-based): chr11:62,626,106, A>G on the plus strand (T>C on the coding strand, the complement: GANAB is on the minus strand). VCF-style: chr11-62626106-A-G. GRCh37 (hg19) VCF-style: chr11-62393578-A-G.
Other names: c.2408T>C, p.Ile803Thr (NM_001278192.2); c.2342T>C, p.Ile781Thr (NM_001278193.2); c.2393T>C, p.Ile798Thr (NM_001278194.2, NM_001329222.2, NM_001329223.2); c.1961T>C, p.Ile654Thr (NM_001329224.2, NM_001329225.2); c.2750T>C, p.Ile917Thr (NM_198335.4); short protein forms I654T, I895T, I803T, I781T, I798T, I917T.
Identifiers: ClinVar variation 1969154 (VCV001969154.5), dbSNP rs1943361229, ClinGen allele CA380985270.

ClinVar aggregate classification (germline): Uncertain significance (1 of 4 stars; one submission).

Allele frequency attached by ClinVar (database versions not stated): gnomAD exomes below 0.00001; TOPMed below 0.00001.
gnomAD v4.1: 2 of 1,613,932 alleles (0.00012%); highest among the groups gnomAD compares: Non-Finnish European, 0.00017%; no homozygotes.

Submission:

Labcorp Genetics (formerly Invitae), Labcorp
Classification: Uncertain significance. Last evaluated: 2022-04-05. Review status: criteria provided, single submitter. Criteria: Invitae Variant Classification Sherloc (09022015). Collection method: clinical testing. Allele origin: germline.
Comment: In summary, the available evidence is currently insufficient to determine the role of this variant in disease. Therefore, it has been classified as a Variant of Uncertain Significance. Advanced modeling of protein sequence and biophysical properties (such as structural, functional, and spatial information, amino acid conservation, physicochemical variation, residue mobility, and thermodynamic stability) performed at Invitae indicates that this missense variant is not expected to disrupt GANAB protein function. This variant has not been reported in the literature in individuals affected with GANAB-related conditions. This variant is not present in population databases (gnomAD no frequency). This sequence change replaces isoleucine, which is neutral and non-polar, with threonine, which is neutral and polar, at codon 917 of the GANAB protein (p.Ile917Thr).